The following is an entry in ClinVar:

ClinVar aggregate classification (germline): Likely benign. Review status: criteria provided, multiple submitters, no conflicts (2 of 4 stars). 4 submissions from 4 submitters: Likely benign (4). Last evaluated 2026-02-03.

Conditions:
Neuropathy, hereditary sensory, type 2C. Also called: KIF1A-Related HSAN2 (HSAN2C); Hereditary sensory and autonomic neuropathy type IIC. Identifiers: Orphanet 970, MedGen C3280168, MONDO:0013634, OMIM 614213.
Intellectual disability, autosomal dominant 9 (NESCAVS). Also called: NESCAV SYNDROME; KIF1A-Related Neurodevelopmental Disorder. Identifiers: Orphanet 662367, MedGen C5393830, MONDO:0013656, OMIM 614255.
Hereditary spastic paraplegia 30. Identifiers: Orphanet 101010, MedGen C5235139, MONDO:0012476.
Inborn genetic diseases. Identifiers: MedGen C0950123, MeSH D030342.

Allele frequency attached by ClinVar (database versions not stated): gnomAD 0.00001 and 0.00005; TOPMed 0.00002; ExAC 0.00007; gnomAD exomes 0.00008; 1000 Genomes Project 30x 0.00016; 1000 Genomes Project 0.00020.
gnomAD v4.1: 102 of 1,612,930 alleles (0.0063%); highest among the groups gnomAD compares: South Asian, 0.062%; no homozygotes.

Submissions (4):

Women's Health and Genetics/Laboratory Corporation of America, LabCorp
Classification: Likely benign. Last evaluated: 2026-02-03. Review status: criteria provided, single submitter. Criteria: LabCorp Variant Classification Summary - May 2015. Collection method: clinical testing. Allele origin: germline.

Labcorp Genetics (formerly Invitae), Labcorp
Classification: Likely benign for Hereditary spastic paraplegia 30; Neuropathy, hereditary sensory, type 2C; Intellectual disability, autosomal dominant 9. Last evaluated: 2025-12-01. Review status: criteria provided, single submitter. Criteria: Invitae Variant Classification Sherloc (09022015). Collection method: clinical testing. Allele origin: germline.

Ambry Genetics
Classification: Likely benign for Inborn genetic diseases. Last evaluated: 2019-07-11. Review status: criteria provided, single submitter. Criteria: Ambry Variant Classification Scheme 2023. Collection method: clinical testing. Allele origin: germline.

GeneDx
Classification: Likely benign. Last evaluated: 2016-03-25. Review status: criteria provided, single submitter. Criteria: GeneDx Variant Classification (06012015). Collection method: clinical testing. Allele origin: germline. Affected: yes.
Comment: This variant is considered likely benign or benign based on one or more of the following criteria: it is a conservative change, it occurs at a poorly conserved position in the protein, it is predicted to be benign by multiple in silico algorithms, and/or has population frequency not consistent with disease.

NM_001244008.2(KIF1A):c.2523C>T (p.Asn841=)

Gene: KIF1A (kinesin family member 1A; minus strand). Cytogenetic location: 2q37.3.
Variant type: single nucleotide variant.
Coding change: c.2523C>T on transcript NM_001244008.2 (MANE Select); coding-DNA position 2523, C replaced by T.
Protein change: p.Asn841=; no amino-acid change (asparagine 841 retained).
Molecular consequence: synonymous variant.
Genome position (GRCh38, 1-based): chr2:240,758,419, G>A on the plus strand (C>T on the coding strand, the complement: KIF1A is on the minus strand). VCF-style: chr2-240758419-G-A. GRCh37 (hg19) VCF-style: chr2-241697836-G-A.
Other names: c.2523C>T, p.Asn841= (NM_001320705.2, NM_001330289.2, NM_001379638.1); c.2598C>T, p.Asn866= (NM_001330290.2, NM_001379631.1, NM_001379634.1 and 2 more transcripts); c.2496C>T, p.Asn832= (NM_001379632.1, NM_001379633.1, NM_001379636.1 and 10 more transcripts); c.2571C>T, p.Asn857= (NM_001379637.1, NM_001379648.1).
Identifiers: ClinVar variation 384738 (VCV000384738.13), dbSNP rs542220900, ClinGen allele CA2208078.